The following is an entry in ClinVar:

ClinVar aggregate classification (germline): Conflicting classifications of pathogenicity. Review status: criteria provided, conflicting classifications (1 of 4 stars). 2 submissions from 2 submitters: Uncertain significance (1); Likely benign (1). Last evaluated 2025-12-20.

Submissions (2):

GeneDx
Classification: Uncertain significance. Last evaluated: 2025-12-20. Review status: criteria provided, single submitter. Criteria: GeneDx Variant Classification Process June 2021. Collection method: clinical testing. Allele origin: germline. Affected: yes.
Comment: Frameshift variant predicted to result in abnormal protein length as the last 11 amino acid(s) are replaced with 2 different amino acid(s); Has not been previously published as pathogenic or benign to our knowledge

Labcorp Genetics (formerly Invitae), Labcorp
Classification: Likely benign. Last evaluated: 2023-08-28. Review status: criteria provided, single submitter. Criteria: Invitae Variant Classification Sherloc (09022015). Collection method: clinical testing. Allele origin: germline.

NM_001012759.3(CTU2):c.1509_1512dup (p.Ile505fs)

Genes: CTU2 (cytosolic thiouridylase subunit 2; plus strand), PIEZO1 (piezo type mechanosensitive ion channel component 1 (Er blood group); minus strand). Cytogenetic location: 16q24.3.
Variant type: Duplication.
Coding change: c.1509_1512dup on transcript NM_001012759.3 (MANE Select); coding-DNA positions 1509 to 1512, 4 bases duplicated (TCTG; older notation c.1509_1512dupTCTG).
Protein change: p.Ile505fs; shifts the reading frame from isoleucine 505.
Molecular consequence: frameshift variant. On other transcripts: nonsense (1).
Genome position (GRCh38, 1-based): chr16:88,715,212-88,715,215, TCTG duplicated; duplicating any 4 consecutive bases within chr16:88,715,209-88,715,215 gives the same sequence; the c. name uses the placement nearest the transcript's 3' end. VCF-style (leftmost placement, unchanged base first): chr16-88715208-A-ACTGT. GRCh37 (hg19) VCF-style: chr16-88781616-A-ACTGT.
Other names: c.1450_1453dup, p.Asp485delinsValTer (NM_001012762.3); c.1722_1725dup, p.Ile576fs (NM_001318507.2); c.1248_1251dup, p.Ile418fs (NM_001318513.2); short protein forms I418fs, I505fs, I576fs.
Identifiers: ClinVar variation 2574783 (VCV002574783.5), dbSNP rs527699516, ClinGen allele CA8231236.